The following is an entry in ClinVar:

NM_014939.5(TRAPPC8):c.3876A>G (p.Pro1292=)

Gene: TRAPPC8 (trafficking protein particle complex subunit 8; minus strand). Cytogenetic location: 18q12.1.
Variant type: single nucleotide variant.
Coding change: c.3876A>G on transcript NM_014939.5 (MANE Select); coding-DNA position 3876, A replaced by G.
Protein change: p.Pro1292=; no amino-acid change (proline 1292 retained).
Molecular consequence: synonymous variant.
Genome position (GRCh38, 1-based): chr18:31,839,419, T>C on the plus strand (A>G on the coding strand, the complement: TRAPPC8 is on the minus strand). VCF-style: chr18-31839419-T-C. GRCh37 (hg19) VCF-style: chr18-29419382-T-C.
Identifiers: ClinVar variation 3234153 (VCV003234153.20), dbSNP rs149708037, ClinGen allele CA8929175.

ClinVar aggregate classification (germline): Likely benign (1 of 4 stars; one submission).

Allele frequency attached by ClinVar (database versions not stated): 1000 Genomes Project 30x 0.00187; 1000 Genomes Project 0.00240; TOPMed 0.00263; ExAC 0.00271; gnomAD 0.00289; ESP Exome Variant Server 0.00361; gnomAD exomes 0.00445.
gnomAD v4.1: 6,844 of 1,605,674 alleles (0.43%); highest among the groups gnomAD compares: Non-Finnish European, 0.52%; 17 homozygotes.

Submission:

CeGaT Center for Human Genetics Tuebingen
Classification: Likely benign. Last evaluated: 2024-04-01. Review status: criteria provided, single submitter. Criteria: CeGaT Center For Human Genetics Tuebingen Variant Classification Criteria Version 2. Collection method: clinical testing. Allele origin: germline. Affected: yes. Observed: 1 variant allele.
Comment: TRAPPC8: BP4